The following is an entry in ClinVar:

NM_000354.6(SERPINA7):c.727C>A (p.Gln243Lys)

Gene: SERPINA7 (serpin family A member 7; minus strand). Cytogenetic location: Xq22.3.
Variant type: single nucleotide variant.
Coding change: c.727C>A on transcript NM_000354.6 (MANE Select); coding-DNA position 727, C replaced by A.
Protein change: p.Gln243Lys; replaces glutamine 243 with lysine.
Molecular consequence: missense variant.
Genome position (GRCh38, 1-based): chrX:106,035,281, G>T on the plus strand (C>A on the coding strand, the complement: SERPINA7 is on the minus strand). VCF-style: chrX-106035281-G-T. GRCh37 (hg19) VCF-style: chrX-105279272-G-T.
Other names: short protein forms Q243K.
Identifiers: ClinVar variation 2661130 (VCV002661130.24), dbSNP rs72554660, ClinGen allele CA10481714.
Genomic context (GRCh38, chrX:106,035,281, plus strand): 5'-TGCTGTAGTCCATTTGCAGAACTGTGCAGTTCAATTCCATATCCACTAGGTGATAGTATT[G>T]TTCCATCTGGTGCATCATGGGCACTTGAACAGTGGTGGTCTTGTCTATTAAGAAGCTGGA-3'
Protein context (NP_000345.2, residues 233-253): VQVPMMHQME[Gln243Lys]YYHLVDMELN

ClinVar aggregate classification (germline): Likely benign (1 of 4 stars; one submission).

Allele frequency attached by ClinVar (database versions not stated): gnomAD exomes 0.00001; ExAC 0.00002; ESP Exome Variant Server 0.00009; gnomAD 0.00017; TOPMed 0.00019.

Submission:

CeGaT Center for Human Genetics Tuebingen
Classification: Likely benign. Last evaluated: 2022-11-01. Review status: criteria provided, single submitter. Criteria: CeGaT Center For Human Genetics Tuebingen Variant Classification Criteria Version 2. Collection method: clinical testing. Allele origin: germline. Affected: yes. Observed: 1 variant allele.
Comment: SERPINA7: BP4, BS2